The following is an entry in ClinVar:

ClinVar aggregate classification (germline): Uncertain significance (1 of 4 stars; one submission).

Conditions:
Paroxysmal nonkinesigenic dyskinesia. Also called: Paroxysmal non-kinesigenic dyskinesia. Identifiers: Orphanet 98810, MedGen C1869117, MONDO:0700088.

gnomAD v4.1: 5 of 1,614,116 alleles (0.00031%); highest among the groups gnomAD compares: Non-Finnish European, 0.00042%; no homozygotes.

Submission:

Labcorp Genetics (formerly Invitae), Labcorp
Classification: Uncertain significance for Paroxysmal nonkinesigenic dyskinesia. Last evaluated: 2023-02-17. Review status: criteria provided, single submitter. Criteria: Invitae Variant Classification Sherloc (09022015). Collection method: clinical testing. Allele origin: germline.
Comment: An algorithm developed to predict the effect of missense changes on protein structure and function (PolyPhen-2) suggests that this variant is likely to be disruptive. In summary, the available evidence is currently insufficient to determine the role of this variant in disease. Therefore, it has been classified as a Variant of Uncertain Significance. ClinVar contains an entry for this variant (Variation ID: 650642). This variant has not been reported in the literature in individuals affected with PNKD-related conditions. This variant is not present in population databases (gnomAD no frequency). This sequence change replaces serine, which is neutral and polar, with cysteine, which is neutral and slightly polar, at codon 34 of the PNKD protein (p.Ser34Cys).

NM_015488.5(PNKD):c.101C>G (p.Ser34Cys)

Gene: PNKD (PNKD metallo-beta-lactamase domain containing; plus strand). Cytogenetic location: 2q35.
Variant type: single nucleotide variant.
Coding change: c.101C>G on transcript NM_015488.5 (MANE Select); coding-DNA position 101, C replaced by G.
Protein change: p.Ser34Cys; replaces serine 34 with cysteine.
Molecular consequence: missense variant.
Genome position (GRCh38, 1-based): chr2:218,271,414, C>G. VCF-style: chr2-218271414-C-G. GRCh37 (hg19) VCF-style: chr2-219136137-C-G.
Other names: c.101C>G, p.Ser34Cys (NM_001077399.3); short protein forms S34C.
Identifiers: ClinVar variation 650642 (VCV000650642.10), dbSNP rs146016925, ClinGen allele CA350544584.
Genomic context (GRCh38, chr2:218,271,414, plus strand): 5'-ACTGACCTTCCTTACCTCCATCCACAGGGATTCTCGCAGGAGCCACAGCTAACAAGGCTT[C>G]TCATAACAGGACCCGGGCCCTGCAAAGCCACAGCTCCCCAGAGGGCAAGGAGGAACCTGA-3'
Protein context (NP_056303.3, residues 24-44): ILAGATANKA[Ser34Cys]HNRTRALQSH